The following is an entry in ClinVar:

NM_001082486.2(ACD):c.-20C>T

Gene: ACD (ACD shelterin complex subunit and telomerase recruitment factor; minus strand). Cytogenetic location: 16q22.1.
Variant type: single nucleotide variant.
Coding change: c.-20C>T on transcript NM_001082486.2 (MANE Select); 20 bases upstream of the start codon, C replaced by T.
Molecular consequence: 5 prime UTR variant.
Genome position (GRCh38, 1-based): chr16:67,660,240, G>A on the plus strand (C>T on the coding strand, the complement: ACD is on the minus strand). VCF-style: chr16-67660240-G-A. GRCh37 (hg19) VCF-style: chr16-67694143-G-A.
Other names: c.-20C>T (NM_022914.3).
Identifiers: ClinVar variation 963062 (VCV000963062.13), dbSNP rs148124985, ClinGen allele CA8114857.
Genomic context (GRCh38, chr16:67,660,240, plus strand): 5'-CGAATCCAGGGCCGTAGGACCAGCCTCCCCGAACCTGCCATCCCCACGGCTACACCCAGC[G>A]GATGCAACGGGCCCGGGTTTCCCGCGGGCGCCCAGGCCCCGCCTTTCCTCGGAAGAGGAA-3'

ClinVar aggregate classification (germline): Uncertain significance. Review status: criteria provided, multiple submitters, no conflicts (2 of 4 stars). 3 submissions from 3 submitters: Uncertain significance (3). Last evaluated 2023-05-18.

Conditions:
Inborn genetic diseases. Identifiers: MedGen C0950123, MeSH D030342.
Dyskeratosis congenita, autosomal dominant 6 (DKCA6). Identifiers: Orphanet 3322, MedGen C4225284, MONDO:0014690, OMIM 616553.

Allele frequency attached by ClinVar (database versions not stated): TOPMed below 0.00001; gnomAD 0.00001; gnomAD exomes 0.00002; ExAC 0.00003; ESP Exome Variant Server 0.00008.
gnomAD v4.1: 16 of 1,612,454 alleles (0.00099%); highest among the groups gnomAD compares: South Asian, 0.0055%; no homozygotes.

Submissions (3):

Ambry Genetics
Classification: Uncertain significance for Inborn genetic diseases. Last evaluated: 2023-05-18. Review status: criteria provided, single submitter. Criteria: Ambry Variant Classification Scheme 2023. Collection method: clinical testing. Allele origin: germline.
Comment: The p.P80L variant (also known as c.239C>T), located in coding exon 1 of the ACD gene, results from a C to T substitution at nucleotide position 239. The proline at codon 80 is replaced by leucine, an amino acid with similar properties. This amino acid position is conserved. In addition, this alteration is predicted to be tolerated by in silico analysis. Since supporting evidence is limited at this time, the clinical significance of this alteration remains unclear.

Labcorp Genetics (formerly Invitae), Labcorp
Classification: Uncertain significance for Dyskeratosis congenita, autosomal dominant 6. Last evaluated: 2022-01-14. Review status: criteria provided, single submitter. Criteria: Invitae Variant Classification Sherloc (09022015). Collection method: clinical testing. Allele origin: germline.
Comment: In summary, the available evidence is currently insufficient to determine the role of this variant in disease. Therefore, it has been classified as a Variant of Uncertain Significance. Algorithms developed to predict the effect of missense changes on protein structure and function are either unavailable or do not agree on the potential impact of this missense change (SIFT: "Tolerated"; PolyPhen-2: "Probably Damaging"; Align-GVGD: "Class C0"). ClinVar contains an entry for this variant (Variation ID: 963062). This variant has not been reported in the literature in individuals affected with ACD-related conditions. This variant is present in population databases (rs148124985, gnomAD 0.01%). This sequence change replaces proline, which is neutral and non-polar, with leucine, which is neutral and non-polar, at codon 80 of the ACD protein (p.Pro80Leu).

Blueprint Genetics
Classification: Uncertain significance. Last evaluated: 2020-12-14. Review status: criteria provided, single submitter. Criteria: ACMG Guidelines, 2015. Collection method: clinical testing. Allele origin: germline.